The following is an entry in ClinVar:

ClinVar aggregate classification (germline): Uncertain significance (1 of 4 stars; one submission).

Conditions:
Pitt-Hopkins syndrome (PTHS). Also called: ENCEPHALOPATHY, SEVERE EPILEPTIC, WITH AUTONOMIC DYSFUNCTION; MENTAL RETARDATION, SYNDROMAL, WITH INTERMITTENT HYPERVENTILATION. Identifiers: Orphanet 2896, MedGen C1970431, MONDO:0012589, OMIM 610954.

Submission:

Labcorp Genetics (formerly Invitae), Labcorp
Classification: Uncertain significance for Pitt-Hopkins syndrome. Last evaluated: 2020-07-25. Review status: criteria provided, single submitter. Criteria: Invitae Variant Classification Sherloc (09022015). Collection method: clinical testing. Allele origin: germline.
Comment: In summary, the available evidence is currently insufficient to determine the role of this variant in disease. Therefore, it has been classified as a Variant of Uncertain Significance. Algorithms developed to predict the effect of missense changes on protein structure and function are either unavailable or do not agree on the potential impact of this missense change (SIFT: "Deleterious"; PolyPhen-2: "Benign"; Align-GVGD: "Class C0"). This variant has not been reported in the literature in individuals with TCF4-related conditions. This variant is not present in population databases (ExAC no frequency). This sequence change replaces glycine with arginine at codon 74 of the TCF4 protein (p.Gly74Arg). The glycine residue is moderately conserved and there is a moderate physicochemical difference between glycine and arginine.

NM_001083962.2(TCF4):c.220G>A (p.Gly74Arg)

Genes: TCF4 (transcription factor 4; minus strand), TCF4-AS1 (TCF4 antisense RNA 1; plus strand). Cytogenetic location: 18q21.2.
Variant type: single nucleotide variant.
Coding change: c.220G>A on transcript NM_001083962.2 (MANE Select); coding-DNA position 220, G replaced by A.
Protein change: p.Gly74Arg; replaces glycine 74 with arginine.
Molecular consequence: missense variant.
Genome position (GRCh38, 1-based): chr18:55,461,103, C>T on the plus strand (G>A on the coding strand, the complement: TCF4 is on the minus strand). VCF-style: chr18-55461103-C-T. GRCh37 (hg19) VCF-style: chr18-53128334-C-T.
Other names: c.526G>A, p.Gly176Arg (NM_001243226.3); c.148G>A, p.Gly50Arg (NM_001243227.2, NM_001369575.1, NM_001369576.1 and 15 more transcripts); c.220G>A, p.Gly74Arg (NM_001243228.2, NM_001369568.1, NM_001369569.1 and 8 more transcripts); c.214G>A, p.Gly72Arg (NM_001243230.2); c.94G>A, p.Gly32Arg (NM_001243231.2, NM_001348211.2); short protein forms G176R, G32R, G50R, G72R, G74R.
Identifiers: ClinVar variation 1016258 (VCV001016258.8), dbSNP rs2095860701, ClinGen allele CA402703620.